The following is an entry in ClinVar:

ClinVar aggregate classification (germline): Uncertain significance (1 of 4 stars; one submission).

Submission:

Labcorp Genetics (formerly Invitae), Labcorp
Classification: Uncertain significance. Last evaluated: 2023-07-17. Review status: criteria provided, single submitter. Criteria: Invitae Variant Classification Sherloc (09022015). Collection method: clinical testing. Allele origin: germline.
Comment: In summary, the available evidence is currently insufficient to determine the role of this variant in disease. Therefore, it has been classified as a Variant of Uncertain Significance. Algorithms developed to predict the effect of sequence changes on RNA splicing suggest that this variant may create or strengthen a splice site. ClinVar contains an entry for this variant (Variation ID: 1996748). This variant has not been reported in the literature in individuals affected with DMXL2-related conditions. This variant is not present in population databases (gnomAD no frequency). This sequence change falls in intron 4 of the DMXL2 gene. It does not directly change the encoded amino acid sequence of the DMXL2 protein.

NM_001378457.1(DMXL2):c.364+18T>G

Gene: DMXL2 (Dmx like 2; minus strand). Cytogenetic location: 15q21.2.
Variant type: single nucleotide variant.
Coding change: c.364+18T>G on transcript NM_001378457.1 (MANE Select); 18 bases into the intron after coding-DNA position 364, T replaced by G.
Molecular consequence: intron variant.
Genome position (GRCh38, 1-based): chr15:51,565,070, A>C on the plus strand (T>G on the coding strand, the complement: DMXL2 is on the minus strand). VCF-style: chr15-51565070-A-C. GRCh37 (hg19) VCF-style: chr15-51857267-A-C.
Other names: c.364+18T>G (NM_001378460.1, NM_001174117.3, NM_015263.5 and 7 more transcripts).
Identifiers: ClinVar variation 1996748 (VCV001996748.4), dbSNP rs2548705703, ClinGen allele CA2580089789.